The following is an entry in ClinVar:

ClinVar aggregate classification (germline): Uncertain significance (1 of 4 stars; one submission).

Submission:

Labcorp Genetics (formerly Invitae), Labcorp
Classification: Uncertain significance. Last evaluated: 2022-07-05. Review status: criteria provided, single submitter. Criteria: Invitae Variant Classification Sherloc (09022015). Collection method: clinical testing. Allele origin: germline.
Comment: In summary, the available evidence is currently insufficient to determine the role of this variant in disease. Therefore, it has been classified as a Variant of Uncertain Significance. Algorithms developed to predict the effect of missense changes on protein structure and function are either unavailable or do not agree on the potential impact of this missense change (SIFT: "Tolerated"; PolyPhen-2: "Probably Damaging"; Align-GVGD: "Class C0"). ClinVar contains an entry for this variant (Variation ID: 1401245). This variant has not been reported in the literature in individuals affected with PCDH15-related conditions. This variant is not present in population databases (gnomAD no frequency). This sequence change replaces valine, which is neutral and non-polar, with alanine, which is neutral and non-polar, at codon 1045 of the PCDH15 protein (p.Val1045Ala).

NM_001384140.1(PCDH15):c.3134T>C (p.Val1045Ala)

Gene: PCDH15 (protocadherin related 15; minus strand). Cytogenetic location: 10q21.1.
Variant type: single nucleotide variant.
Coding change: c.3134T>C on transcript NM_001384140.1 (MANE Select); coding-DNA position 3134, T replaced by C.
Protein change: p.Val1045Ala; replaces valine 1045 with alanine.
Molecular consequence: missense variant.
Genome position (GRCh38, 1-based): chr10:53,940,964, A>G on the plus strand (T>C on the coding strand, the complement: PCDH15 is on the minus strand). VCF-style: chr10-53940964-A-G. GRCh37 (hg19) VCF-style: chr10-55700724-A-G.
Other names: c.3134T>C, p.Val1045Ala (NM_001142772.2, NM_001354420.2, NM_001354429.2 and 4 more transcripts); c.3068T>C, p.Val1023Ala (NM_001142773.2, NM_001354404.2, NM_001142768.2); c.3155T>C, p.Val1052Ala (NM_001354411.2); c.3149T>C, p.Val1050Ala (NM_001142763.2, NM_001142771.2); c.2921T>C, p.Val974Ala (NM_001142765.2); c.3023T>C, p.Val1008Ala (NM_001142767.2); c.3170T>C, p.Val1057Ala (NM_001142769.4); short protein forms V1008A, V1052A, V1057A, V1045A, V1023A, V1050A, V974A.
Identifiers: ClinVar variation 1401245 (VCV001401245.6), dbSNP rs2134074019, ClinGen allele CA376517791.